The following is an entry in ClinVar:

ClinVar aggregate classification (germline): Likely benign. Review status: criteria provided, multiple submitters, no conflicts (2 of 4 stars). 4 submissions from 4 submitters: Likely benign (4). Last evaluated 2026-01-31.

Conditions:
Wilms tumor 1 (WT1). Also called: Wilms tumor, somatic. Identifiers: Orphanet 654, MedGen CN033288, MONDO:0008679, OMIM 194070.
Inborn genetic diseases. Identifiers: MedGen C0950123, MeSH D030342.
Frasier syndrome. Identifiers: Orphanet 347, MedGen C0950122, MeSH D052159, MONDO:0007635, OMIM 136680.
11p partial monosomy syndrome (WAGR). Also called: WAGR Spectrum Disorder; WAGR Complex; WAGR syndrome; CHROMOSOME 11p13 DELETION SYNDROME. Identifiers: Orphanet 893, MedGen C0206115, MONDO:0008681, OMIM 194072.
Drash syndrome (DDS). Also called: WILMS TUMOR AND PSEUDO- OR TRUE HERMAPHRODITISM; NEPHROPATHY, WILMS TUMOR, AND GENITAL ANOMALIES. Identifiers: Orphanet 220, MedGen C0950121, MONDO:0008682, OMIM 194080.

Allele frequency attached by ClinVar (database versions not stated): TOPMed 0.00001; ExAC 0.00002; gnomAD 0.00002 and 0.00003; gnomAD exomes 0.00002 and 0.00004; 1000 Genomes Project 0.00020; 1000 Genomes Project 30x 0.00031.
gnomAD v4.1: 55 of 1,614,070 alleles (0.0034%); highest among the groups gnomAD compares: Non-Finnish European, 0.0046%; no homozygotes.

Submissions (4):

Labcorp Genetics (formerly Invitae), Labcorp
Classification: Likely benign for Wilms tumor 1; Drash syndrome; 11p partial monosomy syndrome; Frasier syndrome. Last evaluated: 2026-01-31. Review status: criteria provided, single submitter. Criteria: Invitae Variant Classification Sherloc (09022015). Collection method: clinical testing. Allele origin: germline.

Ambry Genetics
Classification: Likely benign for Inborn genetic diseases. Last evaluated: 2024-11-21. Review status: criteria provided, single submitter. Criteria: Ambry Variant Classification Scheme 2023. Collection method: clinical testing. Allele origin: germline.

All of Us Research Program, National Institutes of Health
Classification: Likely benign for Wilms tumor 1. Last evaluated: 2024-02-05. Review status: criteria provided, single submitter. Criteria: ACMG Guidelines, 2015. Collection method: clinical testing. Allele origin: germline. Inheritance: Autosomal dominant inheritance. Observed: 5 variant alleles, 5 heterozygotes.
Comment: This study involves interpretation of variants in research participants for the purpose of population health screening. Participant phenotype was not available at the time of variant classification. Additional details can be found in publication PMID: 35346344, PMCID: PMC8962531

Color Diagnostics, LLC DBA Color Health
Classification: Likely benign for Wilms tumor 1. Last evaluated: 2023-01-25. Review status: criteria provided, single submitter. Criteria: ACMG Guidelines, 2015. Collection method: clinical testing. Allele origin: germline.

NM_024426.6(WT1):c.711C>T (p.Pro237=)

Gene: WT1 (WT1 transcription factor; minus strand). Cytogenetic location: 11p13.
Variant type: single nucleotide variant.
Coding change: c.711C>T on transcript NM_024426.6 (MANE Select); coding-DNA position 711, C replaced by T.
Protein change: p.Pro237=; no amino-acid change (proline 237 retained).
Molecular consequence: synonymous variant. On other transcripts: 5 prime UTR variant (1), non-coding transcript variant (2), intron variant (2).
Genome position (GRCh38, 1-based): chr11:32,428,570, G>A on the plus strand (C>T on the coding strand, the complement: WT1 is on the minus strand). VCF-style: chr11-32428570-G-A. GRCh37 (hg19) VCF-style: chr11-32450116-G-A.
Other names: c.711C>T, p.Pro237= (NM_000378.6, NM_001407044.1, NM_001407045.1 and 4 more transcripts); c.60C>T, p.Pro20= (NM_001198551.2, NM_001198552.2); c.-52C>T (NM_001407051.1); c.696C>T, p.Pro232= (NM_024425.2); c.662-512C>T (NM_001407050.1, NM_001407047.1).
Identifiers: ClinVar variation 724855 (VCV000724855.14), dbSNP rs183263057, ClinGen allele CA065512.